The following is an entry in ClinVar:

NM_001042681.2(RERE):c.3332C>T (p.Pro1111Leu)

Gene: RERE (arginine-glutamic acid dipeptide repeats; minus strand). Cytogenetic location: 1p36.23.
Variant type: single nucleotide variant.
Coding change: c.3332C>T on transcript NM_001042681.2 (MANE Select); coding-DNA position 3332, C replaced by T.
Protein change: p.Pro1111Leu; replaces proline 1111 with leucine.
Molecular consequence: missense variant.
Genome position (GRCh38, 1-based): chr1:8,360,175, G>A on the plus strand (C>T on the coding strand, the complement: RERE is on the minus strand). VCF-style: chr1-8360175-G-A. GRCh37 (hg19) VCF-style: chr1-8420235-G-A.
Other names: c.1670C>T, p.Pro557Leu (NM_001042682.2); c.3332C>T, p.Pro1111Leu (NM_012102.4); short protein forms P1111L, P557L.
Identifiers: ClinVar variation 4532618 (VCV004532618.2).
Genomic context (GRCh38, chr1:8,360,175, plus strand): 5'-GCTGACTGGCTGGCGTGACTGGGGGTGTCCACCACAGTGGGCTCCGGGGACGGGCTCCTT[G>A]GTGGGGGAGGGGGGCTCTCAGGCTCCTCAGCGTCGTCCAGAGCCTCCTCCTTGATCTGGA-3'
Protein context (NP_001036146.1, residues 1101-1121): AEEPESPPPP[Pro1111Leu]RSPSPEPTVV

ClinVar aggregate classification (germline): Uncertain significance (1 of 4 stars; one submission).

Submission:

GeneDx
Classification: Uncertain significance. Last evaluated: 2026-02-03. Review status: criteria provided, single submitter. Criteria: GeneDx Variant Classification Process June 2021. Collection method: clinical testing. Allele origin: germline.
Comment: Not observed at significant frequency in large population cohorts (gnomAD); In silico analysis supports that this missense variant has a deleterious effect on protein structure/function; Has not been previously published as pathogenic or benign to our knowledge